The following is an entry in ClinVar:

NM_001621.5(AHR):c.1796A>G (p.Tyr599Cys)

Gene: AHR (aryl hydrocarbon receptor; plus strand). Cytogenetic location: 7p21.1.
Variant type: single nucleotide variant.
Coding change: c.1796A>G on transcript NM_001621.5 (MANE Select); coding-DNA position 1796, A replaced by G.
Protein change: p.Tyr599Cys; replaces tyrosine 599 with cysteine.
Molecular consequence: missense variant.
Genome position (GRCh38, 1-based): chr7:17,339,621, A>G. VCF-style: chr7-17339621-A-G. GRCh37 (hg19) VCF-style: chr7-17379245-A-G.
Other names: short protein forms Y599C.
Identifiers: ClinVar variation 859723 (VCV000859723.6), dbSNP rs374810935, ClinGen allele CA4172184.

ClinVar aggregate classification (germline): Uncertain significance. Review status: criteria provided, multiple submitters, no conflicts (2 of 4 stars). 2 submissions from 2 submitters: Uncertain significance (2). Last evaluated 2025-05-14.

Allele frequency attached by ClinVar (database versions not stated): ExAC 0.00005; ESP Exome Variant Server 0.00008; gnomAD exomes 0.00004 and 0.00006; TOPMed 0.00003; gnomAD 0.00004.
gnomAD v4.1: 96 of 1,614,012 alleles (0.0059%); highest among the groups gnomAD compares: Non-Finnish European, 0.0075%; no homozygotes.

Submissions (2):

Ambry Genetics
Classification: Uncertain significance. Last evaluated: 2025-05-14. Review status: criteria provided, single submitter. Criteria: Ambry Variant Classification Scheme 2023. Collection method: clinical testing. Allele origin: germline.

Labcorp Genetics (formerly Invitae), Labcorp
Classification: Uncertain significance. Last evaluated: 2022-09-01. Review status: criteria provided, single submitter. Criteria: Invitae Variant Classification Sherloc (09022015). Collection method: clinical testing. Allele origin: germline.
Comment: This sequence change replaces tyrosine, which is neutral and polar, with cysteine, which is neutral and slightly polar, at codon 599 of the AHR protein (p.Tyr599Cys). This variant is present in population databases (rs374810935, gnomAD 0.008%). This variant has not been reported in the literature in individuals affected with AHR-related conditions. ClinVar contains an entry for this variant (Variation ID: 859723). Algorithms developed to predict the effect of missense changes on protein structure and function output the following: SIFT: "Tolerated"; PolyPhen-2: "Benign"; Align-GVGD: "Class C0". The cysteine amino acid residue is found in multiple mammalian species, which suggests that this missense change does not adversely affect protein function. In summary, the available evidence is currently insufficient to determine the role of this variant in disease. Therefore, it has been classified as a Variant of Uncertain Significance.